The following is an entry in ClinVar:

ClinVar aggregate classification (germline): Uncertain significance (1 of 4 stars; one submission).

Conditions:
MEGF10-related myopathy (CMYO10A). Also called: Congenital myopathy 10A, severe variant. Identifiers: Orphanet 439212, MedGen C3280679, MONDO:0013731, OMIM 614399.

Allele frequency attached by ClinVar (database versions not stated): TOPMed 0.00002.
gnomAD v4.1: 17 of 1,611,582 alleles (0.0011%); highest among the groups gnomAD compares: East Asian, 0.0022%; no homozygotes.

Submission:

Labcorp Genetics (formerly Invitae), Labcorp
Classification: Uncertain significance for MEGF10-related myopathy. Last evaluated: 2020-04-13. Review status: criteria provided, single submitter. Criteria: Invitae Variant Classification Sherloc (09022015). Collection method: clinical testing. Allele origin: germline.
Comment: This variant has not been reported in the literature in individuals with MEGF10-related conditions. This variant is present in population databases (rs752036559, ExAC 0.002%). This sequence change replaces proline with serine at codon 617 of the MEGF10 protein (p.Pro617Ser). The proline residue is highly conserved and there is a moderate physicochemical difference between proline and serine. In summary, the available evidence is currently insufficient to determine the role of this variant in disease. Therefore, it has been classified as a Variant of Uncertain Significance. Algorithms developed to predict the effect of missense changes on protein structure and function (SIFT, PolyPhen-2, Align-GVGD) all suggest that this variant is likely to be disruptive, but these predictions have not been confirmed by published functional studies and their clinical significance is uncertain.

NM_001256545.2(MEGF10):c.1849C>T (p.Pro617Ser)

Gene: MEGF10 (multiple EGF like domains 10; plus strand). Cytogenetic location: 5q23.2.
Variant type: single nucleotide variant.
Coding change: c.1849C>T on transcript NM_001256545.2 (MANE Select); coding-DNA position 1849, C replaced by T.
Protein change: p.Pro617Ser; replaces proline 617 with serine.
Molecular consequence: missense variant.
Genome position (GRCh38, 1-based): chr5:127,434,695, C>T. VCF-style: chr5-127434695-C-T. GRCh37 (hg19) VCF-style: chr5-126770387-C-T.
Other names: c.1849C>T, p.Pro617Ser (NM_032446.3); short protein forms P617S.
Identifiers: ClinVar variation 1024109 (VCV001024109.9), dbSNP rs752036559, ClinGen allele CA3391764.
Genomic context (GRCh38, chr5:127,434,695, plus strand): 5'-CGAGACAAACGCATCTCAGAAGGATAACTGCTGATTTCCCTTCTGTTTTCAGTCTGCTCC[C>T]CTGGTTTTTATGGGCATCGCTGCAGCCAGACATGCCCACAGTGCGTTCACAGCAGCGGGC-3'
Protein context (NP_001243474.1, residues 607-627): RGTTCQRICS[Pro617Ser]GFYGHRCSQT